The following is an entry in ClinVar:

NC_000017.11:g.59981077C>T

Gene: RNFT1-DT (RNFT1 divergent transcript; plus strand). Cytogenetic location: 17q23.1.
Variant type: single nucleotide variant.
Genome position: GRCh38 VCF-style: chr17-59981077-C-T. GRCh37 (hg19) VCF-style: chr17-58058438-C-T.
Other names: c.3+68G>A.
Identifiers: ClinVar variation 4073518 (VCV004073518.1).

ClinVar aggregate classification (germline): Benign (1 of 4 stars; one submission).

Conditions:
Breast-ovarian cancer, familial, susceptibility to, 2 (BROVCA2). Also called: BRCA2 Hereditary Breast and Ovarian Cancer. Identifiers: Orphanet 145, MedGen C2675520, MONDO:0012933, OMIM 612555. Disease mechanism: loss of function.

Submission:

Dipartimento Di Medicina Di Precisione, Università Degli Studi Della Campania Luigi Vanvitelli
Classification: Benign for Breast-ovarian cancer, familial, susceptibility to, 2. Last evaluated: 2025-07-21. Review status: criteria provided, single submitter. Criteria: ACMG Guidelines, 2015. Collection method: clinical testing. Allele origin: germline. Inheritance: Autosomal dominant inheritance. Affected: yes. Observed: 1 heterozygote.
Comment: This novel intronic variant in BRIP1 (NM_032043.3:c.67+68G>A) was identified through a hereditary breast and ovarian cancer (HBOC) gene panel screening. Comprehensive in silico analyses suggest no deleterious effect on splicing or gene function. Although no experimental functional data are available, current evidence supports classification of this variant as benign.

Literature cited by the submitters: DOI 10.3390/ijms26135928.